The following is an entry in ClinVar:

NM_000441.2(SLC26A4):c.919-1G>A

Gene: SLC26A4 (solute carrier family 26 member 4; plus strand). Cytogenetic location: 7q22.3.
Variant type: single nucleotide variant.
Coding change: c.919-1G>A on transcript NM_000441.2 (MANE Select); the canonical splice acceptor site of the intron before coding-DNA position 919, G replaced by A.
Molecular consequence: splice acceptor variant.
Genome position (GRCh38, 1-based): chr7:107,683,454, G>A. VCF-style: chr7-107683454-G-A. GRCh37 (hg19) VCF-style: chr7-107323899-G-A.
Identifiers: ClinVar variation 3777245 (VCV003777245.2).
Genomic context (GRCh38, chr7:107,683,454, plus strand): 5'-GTTGACAAACAAGGAATTATTAAAACCAATGGAGTTTTTAACATCTTTTGTTTTATTTCA[G>A]ACGATAATTGCTACTGCCATTTCATATGGAGCCAACCTGGAAAAAAATTACAATGCTGGC-3'

ClinVar aggregate classification (germline): Pathogenic/Likely pathogenic. Review status: criteria provided, multiple submitters, no conflicts (2 of 4 stars). 2 submissions from 2 submitters: Pathogenic (1); Likely pathogenic (1). Last evaluated 2025-04-08.

Conditions:
Autosomal recessive nonsyndromic hearing loss 4 (DFNB4). Also called: NEUROSENSORY NONSYNDROMIC RECESSIVE DEAFNESS 4; FOXI1-Related Pendred Syndrome; KCNJ10-Related Pendred Syndrome; DEAFNESS, AUTOSOMAL RECESSIVE 4, WITH ENLARGED VESTIBULAR AQUEDUCT, DIGENIC; Nonsyndromic enlarged vestibular aqueduct (NSEVA); Deafness, autosomal recessive 4, with enlarged vestibular aqueduct. Identifiers: Orphanet 90636, MedGen C3538946, MONDO:0010933, OMIM 600791.
Pendred syndrome (PDS). Also called: DEAFNESS WITH GOITER; GOITER-DEAFNESS SYNDROME; HYPOTHYROIDISM, CONGENITAL, DUE TO DYSHORMONOGENESIS, 2B; THYROID DYSHORMONOGENESIS 2B; THYROID HORMONOGENESIS, GENETIC DEFECT IN, 2B; Pendred's syndrome. Identifiers: Orphanet 705, MedGen C0271829, MONDO:0010134, OMIM 274600.

Submissions (2):

Hereditary Deafness Genetic Testing Group, The First Affiliated Hospital of Zhengzhou University
Classification: Likely pathogenic for Autosomal recessive nonsyndromic hearing loss 4. Last evaluated: 2025-04-08. Review status: criteria provided, single submitter. Criteria: ACMG Guidelines, 2015. Collection method: clinical testing. Allele origin: germline. Affected: yes.

Juno Genomics, Hangzhou Juno Genomics, Inc
Classification: Pathogenic for Autosomal recessive nonsyndromic hearing loss 4; Pendred syndrome. Review status: criteria provided, single submitter. Criteria: ACMG Guidelines, 2015. Collection method: clinical testing. Allele origin: germline. Affected: yes.
Comment: Absent from controls (or at extremely low frequency if recessive) in Genome Aggregation Database.;Null variant in a gene where loss of function (LOF) is a known mechanism of disease.;For recessive disorders, detected in trans with a pathogenic variant.

Literature cited by the submitters: PubMed 40542191 (cited by Hereditary Deafness Genetic Testing Group, The First Affiliated Hospital of Zhengzhou University).